The following is an entry in ClinVar:

NM_000038.6(APC):c.135+610G>T

Gene: APC (APC regulator of WNT signaling pathway; plus strand). Cytogenetic location: 5q22.2.
Variant type: single nucleotide variant.
Coding change: c.135+610G>T on transcript NM_000038.6 (MANE Select); 610 bases into the intron after coding-DNA position 135, G replaced by T.
Molecular consequence: intron variant.
Genome position (GRCh38, 1-based): chr5:112,755,635, G>T. VCF-style: chr5-112755635-G-T. GRCh37 (hg19) VCF-style: chr5-112091332-G-T.
Other names: c.135+610G>T (NM_001354895.2, NM_001127510.3, NM_001354896.2 and 2 more transcripts); c.166-10691G>T (NM_001354897.2, NM_001354902.2, NM_001127511.3); c.61-10691G>T (NM_001354898.2, NM_001354904.2); c.-901+610G>T (NM_001354906.2); c.-42-10691G>T (NM_001354900.2, NM_001354901.2, NM_001354905.2).
Identifiers: ClinVar variation 82822 (VCV000082822.2), dbSNP rs80132568, ClinGen allele CA004429.
Genomic context (GRCh38, chr5:112,755,635, plus strand): 5'-TACAGGCATCACACTAGTCTAGATGATTTCCATGGCACCTTCAAGCCCTAAAATTGGCTT[G>T]CCAAATAGTACTGAAAAGTTCTGATCACCTCCAAGACAGGTTAGAAAATCGTCTATAGTG-3'

ClinVar aggregate classification (germline): other (0 of 4 stars; one submission).

Conditions:
Familial colorectal cancer. Identifiers: MedGen CN280943, MONDO:0023113. Disease mechanism: loss of function.

Submission:

Systems Biology Platform Zhejiang California International NanoSystems Institute
Classification: other for Familial colorectal cancer. Review status: no assertion criteria provided. Collection method: not provided. Allele origin: unknown.
ClinVar note: Converted during submission from cancer to other.